The following is an entry in ClinVar:

NM_000245.4(MET):c.3143A>T (p.Gln1048Leu)

Gene: MET (MET proto-oncogene, receptor tyrosine kinase; plus strand). Cytogenetic location: 7q31.2.
Variant type: single nucleotide variant.
Coding change: c.3143A>T on transcript NM_000245.4 (MANE Select); coding-DNA position 3143, A replaced by T.
Protein change: p.Gln1048Leu; replaces glutamine 1048 with leucine.
Molecular consequence: missense variant.
Genome position (GRCh38, 1-based): chr7:116,774,995, A>T. VCF-style: chr7-116774995-A-T. GRCh37 (hg19) VCF-style: chr7-116415049-A-T.
Other names: c.3197A>T, p.Gln1066Leu (NM_001127500.3); c.1853A>T, p.Gln618Leu (NM_001324402.2); short protein forms Q618L, Q1048L, Q1066L.
Identifiers: ClinVar variation 5024355 (VCV005024355.1).

ClinVar aggregate classification (germline): Uncertain significance (1 of 4 stars; one submission).

Conditions:
Hereditary cancer-predisposing syndrome. Also called: Neoplastic Syndromes, Hereditary; Tumor predisposition; Hereditary neoplastic syndrome; Hereditary Cancer Syndrome. Identifiers: Orphanet 140162, MedGen C0027672, MeSH D009386, MONDO:0015356.

Submission:

Ambry Genetics
Classification: Uncertain significance for Hereditary cancer-predisposing syndrome. Last evaluated: 2026-07-06. Review status: criteria provided, single submitter. Criteria: Ambry Variant Classification Scheme 2023. Collection method: clinical testing. Allele origin: germline.
Comment: The p.Q1048L variant (also known as c.3143A>T), located in coding exon 14 of the MET gene, results from an A to T substitution at nucleotide position 3143. The glutamine at codon 1048 is replaced by leucine, an amino acid with dissimilar properties. This amino acid position is conserved. In addition, the in silico prediction for this alteration is inconclusive. Based on the available evidence, the clinical significance of this variant remains unclear.